The following is an entry in ClinVar:

NM_001040108.2(MLH3):c.2933A>C (p.Lys978Thr)

Gene: MLH3 (mutL homolog 3; minus strand). Cytogenetic location: 14q24.3.
Variant type: single nucleotide variant.
Coding change: c.2933A>C on transcript NM_001040108.2 (MANE Select); coding-DNA position 2933, A replaced by C.
Protein change: p.Lys978Thr; replaces lysine 978 with threonine.
Molecular consequence: missense variant.
Genome position (GRCh38, 1-based): chr14:75,046,723, T>G on the plus strand (A>C on the coding strand, the complement: MLH3 is on the minus strand). VCF-style: chr14-75046723-T-G. GRCh37 (hg19) VCF-style: chr14-75513426-T-G.
Other names: c.2933A>C, p.Lys978Thr (NM_014381.3); short protein forms K978T.
Identifiers: ClinVar variation 5024553 (VCV005024553.1).

ClinVar aggregate classification (germline): Uncertain significance (1 of 4 stars; one submission).

Submission:

Ambry Genetics
Classification: Uncertain significance. Last evaluated: 2026-08-04. Review status: criteria provided, single submitter. Criteria: Ambry Variant Classification Scheme 2023. Collection method: clinical testing. Allele origin: germline.
Comment: The p.K978T variant (also known as c.2933A>C), located in coding exon 1 of the MLH3 gene, results from an A to C substitution at nucleotide position 2933. The lysine at codon 978 is replaced by threonine, an amino acid with similar properties. This amino acid position is poorly conserved in available vertebrate species. In addition, this alteration is predicted to be tolerated by in silico analysis. Based on the available evidence, the clinical significance of this variant remains unclear.